The following is an entry in ClinVar:

NM_001085487.3(MYSM1):c.550C>T (p.Leu184Phe)

Gene: MYSM1 (Myb like, SWIRM and MPN domains 1; minus strand). Cytogenetic location: 1p32.1.
Variant type: single nucleotide variant.
Coding change: c.550C>T on transcript NM_001085487.3 (MANE Select); coding-DNA position 550, C replaced by T.
Protein change: p.Leu184Phe; replaces leucine 184 with phenylalanine.
Molecular consequence: missense variant.
Genome position (GRCh38, 1-based): chr1:58,682,494, G>A on the plus strand (C>T on the coding strand, the complement: MYSM1 is on the minus strand). VCF-style: chr1-58682494-G-A. GRCh37 (hg19) VCF-style: chr1-59148166-G-A.
Other names: short protein forms L184F.
Identifiers: ClinVar variation 1966322 (VCV001966322.5), dbSNP rs968906103, ClinGen allele CA340529720.

ClinVar aggregate classification (germline): Uncertain significance (1 of 4 stars; one submission).

Submission:

Labcorp Genetics (formerly Invitae), Labcorp
Classification: Uncertain significance. Last evaluated: 2023-11-15. Review status: criteria provided, single submitter. Criteria: Invitae Variant Classification Sherloc (09022015). Collection method: clinical testing. Allele origin: germline.
Comment: This sequence change replaces leucine, which is neutral and non-polar, with phenylalanine, which is neutral and non-polar, at codon 184 of the MYSM1 protein (p.Leu184Phe). This variant is not present in population databases (gnomAD no frequency). This variant has not been reported in the literature in individuals affected with MYSM1-related conditions. ClinVar contains an entry for this variant (Variation ID: 1966322). Advanced modeling of protein sequence and biophysical properties (such as structural, functional, and spatial information, amino acid conservation, physicochemical variation, residue mobility, and thermodynamic stability) performed at Invitae indicates that this missense variant is not expected to disrupt MYSM1 protein function with a negative predictive value of 80%. In summary, the available evidence is currently insufficient to determine the role of this variant in disease. Therefore, it has been classified as a Variant of Uncertain Significance.